The following is an entry in ClinVar:

NM_001211.6(BUB1B):c.1393G>A (p.Gly465Ser)

Gene: BUB1B (BUB1 mitotic checkpoint serine/threonine kinase B; plus strand). Cytogenetic location: 15q15.1.
Variant type: single nucleotide variant.
Coding change: c.1393G>A on transcript NM_001211.6 (MANE Select); coding-DNA position 1393, G replaced by A.
Protein change: p.Gly465Ser; replaces glycine 465 with serine.
Molecular consequence: missense variant.
Genome position (GRCh38, 1-based): chr15:40,199,719, G>A. VCF-style: chr15-40199719-G-A. GRCh37 (hg19) VCF-style: chr15-40491920-G-A.
Other names: short protein forms G465S.
Identifiers: ClinVar variation 3993740 (VCV003993740.1).

ClinVar aggregate classification (germline): Uncertain significance (1 of 4 stars; one submission).

Conditions:
Inborn genetic diseases. Identifiers: MedGen C0950123, MeSH D030342.

Submission:

Ambry Genetics
Classification: Uncertain significance for Inborn genetic diseases. Last evaluated: 2025-05-31. Review status: criteria provided, single submitter. Criteria: Ambry Variant Classification Scheme 2023. Collection method: clinical testing. Allele origin: germline.
Comment: The p.G465S variant (also known as c.1393G>A), located in coding exon 10 of the BUB1B gene, results from a G to A substitution at nucleotide position 1393. The glycine at codon 465 is replaced by serine, an amino acid with similar properties. This amino acid position is conserved. In addition, this alteration is predicted to be tolerated by in silico analysis. Based on the available evidence, the clinical significance of this variant remains unclear.